The following is an entry in ClinVar:

NM_000094.4(COL7A1):c.1780+1G>T

Gene: COL7A1 (collagen type VII alpha 1 chain; minus strand). Cytogenetic location: 3p21.31.
Variant type: single nucleotide variant.
Coding change: c.1780+1G>T on transcript NM_000094.4 (MANE Select); the canonical splice donor site of the intron after coding-DNA position 1780, G replaced by T.
Molecular consequence: splice donor variant.
Genome position (GRCh38, 1-based): chr3:48,590,672, C>A on the plus strand (G>T on the coding strand, the complement: COL7A1 is on the minus strand). VCF-style: chr3-48590672-C-A. GRCh37 (hg19) VCF-style: chr3-48628105-C-A.
Identifiers: ClinVar variation 2179462 (VCV002179462.4), dbSNP rs1441154788, ClinGen allele CA352729068.

ClinVar aggregate classification (germline): Likely pathogenic (1 of 4 stars; one submission).

Allele frequency attached by ClinVar (database versions not stated): gnomAD 0.00001; TOPMed 0.00001.
gnomAD v4.1: 17 of 1,613,912 alleles (0.0011%); highest among the groups gnomAD compares: Non-Finnish European, 0.0014%; no homozygotes.

Submission:

Labcorp Genetics (formerly Invitae), Labcorp
Classification: Likely pathogenic. Last evaluated: 2023-11-15. Review status: criteria provided, single submitter. Criteria: Invitae Variant Classification Sherloc (09022015). Collection method: clinical testing. Allele origin: germline.
Comment: This sequence change affects a donor splice site in intron 13 of the COL7A1 gene. It is expected to disrupt RNA splicing. Variants that disrupt the donor or acceptor splice site typically lead to a loss of protein function (PMID: 16199547), and loss-of-function variants in COL7A1 are known to be pathogenic (PMID: 16971478). This variant is not present in population databases (gnomAD no frequency). This variant has not been reported in the literature in individuals affected with COL7A1-related conditions. ClinVar contains an entry for this variant (Variation ID: 2179462). Algorithms developed to predict the effect of sequence changes on RNA splicing suggest that this variant may disrupt the consensus splice site. In summary, the currently available evidence indicates that the variant is pathogenic, but additional data are needed to prove that conclusively. Therefore, this variant has been classified as Likely Pathogenic.

Literature cited by the submitters: PubMed 16199547; PubMed 16971478.